The following is an entry in ClinVar:

NM_004054.4(C3AR1):c.-8G>A

Gene: C3AR1 (complement C3a receptor 1; minus strand). Cytogenetic location: 12p13.31.
Variant type: single nucleotide variant.
Coding change: c.-8G>A on transcript NM_004054.4 (MANE Select); 8 bases upstream of the start codon, G replaced by A.
Molecular consequence: 5 prime UTR variant. On other transcripts: splice acceptor variant (1).
Genome position (GRCh38, 1-based): chr12:8,060,193, C>T on the plus strand (G>A on the coding strand, the complement: C3AR1 is on the minus strand). VCF-style: chr12-8060193-C-T. GRCh37 (hg19) VCF-style: chr12-8212789-C-T.
Other names: c.-8G>A (NM_001326477.2); c.-7-1G>A (NM_001326475.2).
Identifiers: ClinVar variation 2634624 (VCV002634624.1), dbSNP rs779604521, ClinGen allele CA6432098.

ClinVar aggregate classification (germline): Uncertain significance (1 of 4 stars; one submission).

Conditions:
C3AR1-related disorder. Also called: C3AR1-related condition.

Allele frequency attached by ClinVar (database versions not stated): gnomAD exomes 0.00001; ExAC 0.00005; 1000 Genomes Project 30x 0.00016; gnomAD 0.00019; TOPMed 0.00019; 1000 Genomes Project 0.00020.
gnomAD v4.1: 44 of 1,567,996 alleles (0.0028%); highest among the groups gnomAD compares: African/African-American, 0.052%; no homozygotes.

Submission:

PreventionGenetics, part of Exact Sciences
Classification: Uncertain significance for C3AR1-related condition. Last evaluated: 2023-05-30. Review status: criteria provided, single submitter. Criteria: ACMG Guidelines, 2015. Collection method: clinical testing. Allele origin: germline.
Comment: The C3AR1 c.-7-1G>A variant is located in the 5' untranslated region. This variant is predicted to alter splicing based on available splicing prediction programs (Alamut Visual Plus v1.6.1), however, splicing variants have not commonly been reported in the C3AR1 gene. To our knowledge, this variant has not been reported in the literature. This variant is reported in 0.056% of alleles in individuals of African descent in gnomAD. At this time, the clinical significance of this variant is uncertain due to the absence of conclusive functional and genetic evidence.